The following is an entry in ClinVar:

ClinVar aggregate classification (germline): Pathogenic. Review status: reviewed by expert panel (3 of 4 stars). 2 submissions from 2 submitters: Pathogenic (1). 1 of the submissions does not count toward it. Last evaluated 2016-10-18.

Conditions:
Breast-ovarian cancer, familial, susceptibility to, 1 (BROVCA1). Also called: BRCA1 Hereditary Breast and Ovarian Cancer; OVARIAN CANCER, SUSCEPTIBILITY TO. Identifiers: Orphanet 145, MedGen C2676676, MONDO:0011450, OMIM 604370. Disease mechanism: loss of function.

Submissions (2):

Evidence-based Network for the Interpretation of Germline Mutant Alleles (ENIGMA)
Classification: Pathogenic for Breast-ovarian cancer, familial, susceptibility to, 1. Last evaluated: 2016-10-18. Review status: reviewed by expert panel. Criteria: ENIGMA BRCA1/2 Classification Criteria (2015). Collection method: curation. Allele origin: germline.
Comment: Variant allele predicted to encode a truncated non-functional protein.

Consortium of Investigators of Modifiers of BRCA1/2 (CIMBA), c/o University of Cambridge
Classification: Pathogenic for Breast-ovarian cancer, familial, susceptibility to, 1. Last evaluated: 2015-10-02. Review status: criteria provided, single submitter. Criteria: CIMBA Mutation Classification guidelines May 2016. Collection method: clinical testing. Allele origin: germline. Not counted in ClinVar's aggregate classification.

NM_007294.4(BRCA1):c.2542_2545del (p.Glu848fs)

Gene: BRCA1 (BRCA1 DNA repair associated; minus strand). Cytogenetic location: 17q21.31.
Variant type: Deletion.
Coding change: c.2542_2545del on transcript NM_007294.4 (MANE Select); coding-DNA positions 2542 to 2545, 4 bases deleted (GAAG; older notation c.2542_2545delGAAG).
Protein change: p.Glu848fs; shifts the reading frame from glutamic acid 848.
Molecular consequence: frameshift variant. On other transcripts: intron variant (137).
Genome position (GRCh38, 1-based): chr17:43,092,986-43,092,989, CTTC deleted on the plus strand (GAAG on the coding strand, the reverse complement: BRCA1 is on the minus strand); deleting any 4 consecutive bases within chr17:43,092,986-43,092,990 gives the same sequence; the c. name uses the placement nearest the transcript's 3' end. VCF-style (leftmost placement, unchanged base first): chr17-43092985-TCTTC-T. GRCh37 (hg19) VCF-style: chr17-41245002-TCTTC-T.
Other names: 2661_2664delGAAGp.891X; c.2329_2332del, p.Glu777fs (NM_001407571.1, NM_001407853.1, NM_001407894.1 and 9 more transcripts); c.2542_2545del, p.Glu848fs (NM_001407581.1, NM_001407582.1, NM_001407583.1 and 30 more transcripts); c.2539_2542del, p.Glu847fs (NM_001407587.1, NM_001407590.1, NM_001407591.1 and 22 more transcripts); c.2533_2536del, p.Glu845fs (NM_001407646.1, NM_001407647.1); c.2419_2422del, p.Glu807fs (NM_001407648.1, NM_001407664.1, NM_001407665.1 and 19 more transcripts); c.2416_2419del, p.Glu806fs (NM_001407649.1, NM_001407670.1, NM_001407671.1 and 11 more transcripts); c.2464_2467del, p.Glu822fs (NM_001407653.1, NM_001407654.1, NM_001407655.1 and 4 more transcripts); and 43 more; short protein forms E801fs, E848fs, E680fs, E806fs, E845fs, E737fs, E778fs, E780fs.
Identifiers: ClinVar variation 266278 (VCV000266278.6), dbSNP rs886040049, ClinGen allele CA10589837.